The following is an entry in ClinVar:

ClinVar aggregate classification (germline): Uncertain significance. Review status: criteria provided, multiple submitters, no conflicts (2 of 4 stars). 2 submissions from 2 submitters: Uncertain significance (2). Last evaluated 2024-04-05.

Conditions:
Familial cold autoinflammatory syndrome 3 (FCAS3). Also called: FAMILIAL ATYPICAL COLD URTICARIA; ANTIBODY DEFICIENCY AND IMMUNE DYSREGULATION, PLCG2-ASSOCIATED. Identifiers: Orphanet 300359, MedGen C3280914, MONDO:0013766, OMIM 614468.

gnomAD v4.1: 3 of 1,611,384 alleles (0.00019%); highest among the groups gnomAD compares: Non-Finnish European, 0.00017%; no homozygotes.

Submissions (2):

Labcorp Genetics (formerly Invitae), Labcorp
Classification: Uncertain significance for Familial cold autoinflammatory syndrome 3. Last evaluated: 2024-04-05. Review status: criteria provided, single submitter. Criteria: Invitae Variant Classification Sherloc (09022015). Collection method: clinical testing. Allele origin: germline.
Comment: This sequence change replaces valine, which is neutral and non-polar, with methionine, which is neutral and non-polar, at codon 411 of the PLCG2 protein (p.Val411Met). This variant is not present in population databases (gnomAD no frequency). This variant has not been reported in the literature in individuals affected with PLCG2-related conditions. An algorithm developed to predict the effect of missense changes on protein structure and function (PolyPhen-2) suggests that this variant is likely to be disruptive. In summary, the available evidence is currently insufficient to determine the role of this variant in disease. Therefore, it has been classified as a Variant of Uncertain Significance.

Mayo Clinic Laboratories, Mayo Clinic
Classification: Uncertain significance. Last evaluated: 2024-03-07. Review status: criteria provided, single submitter. Criteria: ACMG Guidelines, 2015. Collection method: clinical testing. Allele origin: germline. Observed: 1 variant allele.

NM_002661.5(PLCG2):c.1231G>A (p.Val411Met)

Gene: PLCG2 (phospholipase C gamma 2; plus strand). Cytogenetic location: 16q23.3.
Variant type: single nucleotide variant.
Coding change: c.1231G>A on transcript NM_002661.5 (MANE Select); coding-DNA position 1231, G replaced by A.
Protein change: p.Val411Met; replaces valine 411 with methionine.
Molecular consequence: missense variant.
Genome position (GRCh38, 1-based): chr16:81,900,649, G>A. VCF-style: chr16-81900649-G-A. GRCh37 (hg19) VCF-style: chr16-81934254-G-A.
Other names: p.Val411Met; c.1231G>A, p.Val411Met (NM_001425749.1, NM_001425750.1, NM_001425751.1); short protein forms V411M.
Identifiers: ClinVar variation 3380404 (VCV003380404.3).